The following is an entry in ClinVar:

NM_020631.6(PLEKHG5):c.739G>C (p.Ala247Pro)

Gene: PLEKHG5 (pleckstrin homology and RhoGEF domain containing G5; minus strand). Cytogenetic location: 1p36.31.
Variant type: single nucleotide variant.
Coding change: c.739G>C on transcript NM_020631.6 (MANE Select); coding-DNA position 739, G replaced by C.
Protein change: p.Ala247Pro; replaces alanine 247 with proline.
Molecular consequence: missense variant.
Genome position (GRCh38, 1-based): chr1:6,473,307, C>G on the plus strand (G>C on the coding strand, the complement: PLEKHG5 is on the minus strand). VCF-style: chr1-6473307-C-G. GRCh37 (hg19) VCF-style: chr1-6533367-C-G.
Other names: c.850G>C, p.Ala284Pro (NM_001042663.3, NM_001265592.2); c.739G>C, p.Ala247Pro (NM_001042664.2, NM_001042665.2, NM_001265594.3 and 1 more transcripts); c.946G>C, p.Ala316Pro (NM_001265593.2); short protein forms A247P, A284P, A316P.
Identifiers: ClinVar variation 1484664 (VCV001484664.4), dbSNP rs772232182, ClinGen allele CA561766.

ClinVar aggregate classification (germline): Uncertain significance (1 of 4 stars; one submission).

Conditions:
Neuronopathy, distal hereditary motor, autosomal recessive 4. Also called: NEUROPATHY, DISTAL HEREDITARY MOTOR, AUTOSOMAL RECESSIVE 4; Autosomal recessive lower motor neuron disease with childhood onset. Identifiers: Orphanet 206580, MedGen C1970211, MONDO:0012608, OMIM 611067.
Charcot-Marie-Tooth disease recessive intermediate C. Also called: CHARCOT-MARIE-TOOTH NEUROPATHY, RECESSIVE INTERMEDIATE C. Identifiers: Orphanet 369867, MedGen C3809309, MONDO:0014154, OMIM 615376.

Allele frequency attached by ClinVar (database versions not stated): TOPMed below 0.00001; ExAC 0.00008.
gnomAD v4.1: 11 of 1,578,726 alleles (0.0007%); highest among the groups gnomAD compares: South Asian, 0.013%; no homozygotes.

Submission:

Labcorp Genetics (formerly Invitae), Labcorp
Classification: Uncertain significance for Neuronopathy, distal hereditary motor, autosomal recessive 4; Charcot-Marie-Tooth disease recessive intermediate C. Last evaluated: 2023-07-07. Review status: criteria provided, single submitter. Criteria: Invitae Variant Classification Sherloc (09022015). Collection method: clinical testing. Allele origin: germline.
Comment: This sequence change replaces alanine, which is neutral and non-polar, with proline, which is neutral and non-polar, at codon 247 of the PLEKHG5 protein (p.Ala247Pro). This variant is present in population databases (rs772232182, gnomAD 0.02%). In summary, the available evidence is currently insufficient to determine the role of this variant in disease. Therefore, it has been classified as a Variant of Uncertain Significance. An algorithm developed to predict the effect of missense changes on protein structure and function (PolyPhen-2) suggests that this variant¬†is likely to be tolerated. ClinVar contains an entry for this variant (Variation ID: 1484664). This variant has not been reported in the literature in individuals affected with PLEKHG5-related conditions.